The following is an entry in ClinVar:

NM_001256864.2(DNAJC6):c.1113G>A (p.Lys371=)

Gene: DNAJC6 (DnaJ heat shock protein family (Hsp40) member C6; plus strand). Cytogenetic location: 1p31.3.
Variant type: single nucleotide variant.
Coding change: c.1113G>A on transcript NM_001256864.2 (MANE Select); coding-DNA position 1113, G replaced by A.
Protein change: p.Lys371=; no amino-acid change (lysine 371 retained).
Molecular consequence: synonymous variant.
Genome position (GRCh38, 1-based): chr1:65,386,929, G>A. VCF-style: chr1-65386929-G-A. GRCh37 (hg19) VCF-style: chr1-65852612-G-A.
Other names: c.903G>A, p.Lys301= (NM_001256865.2); c.942G>A, p.Lys314= (NM_014787.4).
Identifiers: ClinVar variation 1358065 (VCV001358065.4), dbSNP rs144924736, ClinGen allele CA893832.

ClinVar aggregate classification (germline): Uncertain significance (1 of 4 stars; one submission).

Conditions:
Juvenile onset Parkinson disease 19A. Also called: PARK19; DNAJC6 Parkinson Disease. Identifiers: Orphanet 391411, MedGen C3809811, MONDO:0014231, OMIM 615528.

Allele frequency attached by ClinVar (database versions not stated): gnomAD exomes 0.00002 and 0.00006; ExAC 0.00004; ESP Exome Variant Server 0.00008; gnomAD 0.00019 and 0.00022; TOPMed 0.00020.
gnomAD v4.1: 60 of 1,612,810 alleles (0.0037%); highest among the groups gnomAD compares: African/African-American, 0.069%; no homozygotes.

Submission:

Labcorp Genetics (formerly Invitae), Labcorp
Classification: Uncertain significance for Juvenile onset Parkinson disease 19A. Last evaluated: 2023-09-26. Review status: criteria provided, single submitter. Criteria: Invitae Variant Classification Sherloc (09022015). Collection method: clinical testing. Allele origin: germline.
Comment: This sequence change affects codon 371 of the DNAJC6 mRNA. It is a 'silent' change, meaning that it does not change the encoded amino acid sequence of the DNAJC6 protein. This variant also falls at the last nucleotide of exon 8, which is part of the consensus splice site for this exon. This variant is present in population databases (rs144924736, gnomAD 0.07%). This variant has not been reported in the literature in individuals affected with DNAJC6-related conditions. ClinVar contains an entry for this variant (Variation ID: 1358065). Variants that disrupt the consensus splice site are a relatively common cause of aberrant splicing (PMID: 17576681, 9536098). Algorithms developed to predict the effect of sequence changes on RNA splicing suggest that this variant is not likely to affect RNA splicing. In summary, the available evidence is currently insufficient to determine the role of this variant in disease. Therefore, it has been classified as a Variant of Uncertain Significance.

Literature cited by the submitters: PubMed 17576681; PubMed 9536098.